The following is an entry in ClinVar:

ClinVar aggregate classification (germline): Benign/Likely benign. Review status: criteria provided, multiple submitters, no conflicts (2 of 4 stars). 8 submissions from 8 submitters: Benign (4); Likely benign (2). 2 of the submissions do not count toward it. Last evaluated 2026-01-28.

Conditions:
Hyperekplexia 3 (HKPX3). Also called: HYPEREKPLEXIA 3, AUTOSOMAL RECESSIVE; HYPEREKPLEXIA 3, AUTOSOMAL DOMINANT. Identifiers: Orphanet 3197, MedGen C3553288, MONDO:0013827, OMIM 614618.
SLC6A5-related disorder. Also called: SLC6A5-related condition.

Allele frequency attached by ClinVar (database versions not stated): gnomAD 0.00004 and 0.00062; ESP Exome Variant Server 0.00008; TOPMed 0.00017; gnomAD exomes 0.00238; ExAC 0.00273; 1000 Genomes Project 0.00399; 1000 Genomes Project 30x 0.00437.
gnomAD v4.1: 1,748 of 1,614,026 alleles (0.11%); highest among the groups gnomAD compares: South Asian, 1.8%; 37 homozygotes.

Submissions (8):

Labcorp Genetics (formerly Invitae), Labcorp
Classification: Benign for Hyperekplexia 3. Last evaluated: 2026-01-28. Review status: criteria provided, single submitter. Criteria: Invitae Variant Classification Sherloc (09022015). Collection method: clinical testing. Allele origin: germline.

PreventionGenetics, part of Exact Sciences
Classification: Likely benign for SLC6A5-related condition. Last evaluated: 2026-01-15. Review status: criteria provided, single submitter. Criteria: ACMG Guidelines, 2015. Collection method: clinical testing. Allele origin: germline.
Comment: This variant is classified as likely benign based on ACMG/AMP sequence variant interpretation guidelines (Richards et al. 2015 PMID: 25741868, with internal and published modifications).

Victorian Clinical Genetics Services, Murdoch Childrens Research Institute
Classification: Likely benign for Hyperekplexia 3. Last evaluated: 2020-10-19. Review status: criteria provided, single submitter. Criteria: ACMG Guidelines, 2015. Collection method: clinical testing. Allele origin: germline.
Comment: Based on the classification scheme VCGS_Germline_v1.3.3, this variant is classified as Likely benign. Following criteria are met: 0103 - Dominant negative and loss of function are known mechanisms of disease in this gene and are associated with Hyperekplexia 3 (MIM#614618). (PMID: 16751771). (I) 0108 - This gene is associated with both recessive and dominant disease, although recessive inheritance is most recognised. (OMIM, PMID: 16751771). (I) 0200 - Variant is predicted to result in a missense amino acid change from tyrosine to cysteine. (I) 0251 - This variant is heterozygous. (I) 0308 - Population frequency for this variant is out of keeping with known incidence of hyperekplexia. GnomAD v2.1.1: 0.00212 (583 heterozygotes, 9 homozygotes) with South Asian population frequency of 0.019 (567 heterozygotes, 8 homozygotes). (SB) 0502 - Missense variant with conflicting in silico predictions. Major amino acid change, very high conservation. (I) 0600 - Variant is located in the sodium neurotransmitter symporter family domain (DECIPHER, RCSB PDB). (I) 0705 - No comparable missense variant at the same position have previous evidence for pathogenicity. (I) 0808 - Previous reports of pathogenicity for this variant are conflicting. ClinVar: Benign x1, LOVD3: Likely benign x2. The majority of publications indicate that it is pathogenic with autosomal dominant inheritance but all cite the same source, PMID: 22753417. (PMID: 24030948, PMID: 24316454, PMID: 32714574, PMID: 30186111, PMID: 31370103, PMID: 29859229). Variant was re-classified as Benign in PMID: 27535533. (I) 1002 - Limited functional evidence supporting abnormal protein function. Expression of the variant in Xenopus oocytes and voltage clamp recordings demonstrated 60% activity for glycine transport compared to wildtype, whereas co-expression with wildtype was 79%. (PMID: 22753417). However, these patch clamp assays have been shown to be unreliable; therefore results from these studies are used with caution during variant classification. (I) 1208 - Inheritance information for this variant is not currently available in this individual. (I) Legend: (SP) - Supporting Pathogenic, (I) – Information, (SB) – Supporting Benign

Mendelics
Classification: Benign for Hyperekplexia 3. Last evaluated: 2019-05-28. Review status: criteria provided, single submitter. Criteria: Mendelics Assertion Criteria 2017. Collection method: clinical testing. Allele origin: unknown.

Breakthrough Genomics
Classification: Benign. Review status: criteria provided, single submitter. Criteria: ACMG Guidelines, 2015. Collection method: not provided. Allele origin: germline. Inheritance: Autosomal dominant inheritance. Affected: yes.

Broad Center for Mendelian Genomics, Broad Institute of MIT and Harvard
Classification: Benign for Hyperekplexia 3. Review status: criteria provided, single submitter. Criteria: ACMG Guidelines, 2015. Collection method: research. Allele origin: germline. Inheritance: Autosomal dominant inheritance. Affected: yes.
Comment: The heterozygous p.Tyr705Cys variant in SLC6A5 has been identified in 8 individuals from 3 families with hyperekplexia (PMID: 22753417), but has also been identified in >1% of South Asian chromosomes and 7 homozygotes by ExAC. In vitro functional studies provide some evidence that the p.Tyr705Cys variant may slightly impact protein function (PMID: 22753417). However, these types of assays may not accurately represent biological function. In summary, this variant meets criteria to be classified as benign for hyperekplexia.

Clinical Genetics DNA and cytogenetics Diagnostics Lab, Erasmus MC, Erasmus Medical Center
Classification: Likely benign. Review status: no assertion criteria provided. Collection method: clinical testing. Allele origin: germline. Affected: yes. Study: VKGL Data-share Consensus. Not counted in ClinVar's aggregate classification.

Genome Diagnostics Laboratory, University Medical Center Utrecht
Classification: Likely benign. Review status: no assertion criteria provided. Collection method: clinical testing. Allele origin: germline. Affected: yes. Study: VKGL Data-share Consensus. Not counted in ClinVar's aggregate classification.

Literature cited by the submitters: PubMed 16751771 (cited by Victorian Clinical Genetics Services, Murdoch Childrens Research Institute); PubMed 22753417 (cited by Victorian Clinical Genetics Services, Murdoch Childrens Research Institute and Broad Center for Mendelian Genomics, Broad Institute of MIT and Harvard); PubMed 24030948 (cited by Victorian Clinical Genetics Services, Murdoch Childrens Research Institute); PubMed 24316454 (cited by Victorian Clinical Genetics Services, Murdoch Childrens Research Institute); PubMed 27535533 (cited by Victorian Clinical Genetics Services, Murdoch Childrens Research Institute); PubMed 29859229 (cited by Victorian Clinical Genetics Services, Murdoch Childrens Research Institute); PubMed 30186111 (cited by Victorian Clinical Genetics Services, Murdoch Childrens Research Institute); PubMed 31370103 (cited by Victorian Clinical Genetics Services, Murdoch Childrens Research Institute); PubMed 32714574 (cited by Victorian Clinical Genetics Services, Murdoch Childrens Research Institute).

NM_004211.5(SLC6A5):c.2114A>G (p.Tyr705Cys)

Gene: SLC6A5 (solute carrier family 6 member 5; plus strand). Cytogenetic location: 11p15.1.
Variant type: single nucleotide variant.
Coding change: c.2114A>G on transcript NM_004211.5 (MANE Select); coding-DNA position 2114, A replaced by G.
Protein change: p.Tyr705Cys; replaces tyrosine 705 with cysteine.
Molecular consequence: missense variant.
Genome position (GRCh38, 1-based): chr11:20,652,332, A>G. VCF-style: chr11-20652332-A-G. GRCh37 (hg19) VCF-style: chr11-20673878-A-G.
Other names: c.2114A>G (NM_004211.4); c.1412A>G, p.Tyr471Cys (NM_001318369.2); short protein forms Y471C, Y705C.
Identifiers: ClinVar variation 802662 (VCV000802662.15), dbSNP rs143918578, ClinGen allele CA5921696.